The following is an entry in ClinVar:

NC_000015.10:g.22609500T>C

Variant type: single nucleotide variant.
Genome position: GRCh38 VCF-style: chr15-22609500-T-C. GRCh37 (hg19) VCF-style: chr15-23263596-A-G.
Identifiers: ClinVar variation 2644956 (VCV002644956.24), dbSNP rs542802244, ClinGen allele CA7426695.
Genomic context (GRCh38, chr15:22,609,500, plus strand): 5'-AGAGCCATGAGGCTCAGCTGGGCTGTTAGCTGCTGGTTCTGCTGGCTGGCAGCTTCCAGG[T>C]GCTCCTAAGGGGCCAGGAAAGAGTGAGAAGGGATGGAGTTTGCCAGGTCGTCCCCCTCAC-3'

ClinVar aggregate classification (germline): Likely benign (1 of 4 stars; one submission).

Submission:

CeGaT Center for Human Genetics Tuebingen
Classification: Likely benign. Last evaluated: 2023-02-01. Review status: criteria provided, single submitter. Criteria: CeGaT Center For Human Genetics Tuebingen Variant Classification Criteria Version 2. Collection method: clinical testing. Allele origin: germline. Affected: yes. Observed: 1 variant allele.
Comment: GOLGA8IP: PP2, BS2